The following is an entry in ClinVar:

ClinVar aggregate classification (germline): Pathogenic (1 of 4 stars; one submission).

Conditions:
Koolen-de Vries syndrome (KDVS). Identifiers: Orphanet 96169, MedGen C1864871, MONDO:0012496, OMIM 610443.

Submission:

Labcorp Genetics (formerly Invitae), Labcorp
Classification: Pathogenic for Koolen-de Vries syndrome. Last evaluated: 2024-04-18. Review status: criteria provided, single submitter. Criteria: Invitae Variant Classification Sherloc (09022015). Collection method: clinical testing. Allele origin: germline.
Comment: This sequence change creates a premature translational stop signal (p.Gln688Leufs*7) in the KANSL1 gene. It is expected to result in an absent or disrupted protein product. Loss-of-function variants in KANSL1 are known to be pathogenic (PMID: 22544363, 22544367). This variant is not present in population databases (gnomAD no frequency). This variant has not been reported in the literature in individuals affected with KANSL1-related conditions. For these reasons, this variant has been classified as Pathogenic.

Literature cited by the submitters: PubMed 22544363; PubMed 22544367.

NM_015443.4(KANSL1):c.2063_2064del (p.Gln688fs)

Gene: KANSL1 (KAT8 regulatory NSL complex subunit 1). Cytogenetic location: 17q21.31.
Variant type: Deletion.
Coding change: c.2063_2064del on transcript NM_015443.4 (MANE Select); coding-DNA positions 2063 to 2064, 2 bases deleted.
Protein change: p.Gln688fs; shifts the reading frame from glutamine 688.
Molecular consequence: frameshift variant.
Genome position: GRCh38 VCF-style: chr17-46039840-ACT-A. GRCh37 (hg19) VCF-style: chr17-44117206-ACT-A.
Other names: c.2063_2064del, p.Gln688fs (NM_001193465.2, NM_001193466.2, NM_001379198.1 and 14 more transcripts); c.1961_1962del, p.Gln654fs (NM_001405859.1, NM_001405860.1, NM_001405861.1 and 1 more transcripts); c.797_798del, p.Gln266fs (NM_001405882.1, NM_001405883.1, NM_001405884.1 and 1 more transcripts); short protein forms Q266fs, Q688fs, Q654fs.
Identifiers: ClinVar variation 3650340 (VCV003650340.2).